The following is an entry in ClinVar:

NM_017882.3(CLN6):c.712_713delinsAC (p.Phe238Thr)

Gene: CLN6 (CLN6 transmembrane ER protein; minus strand). Cytogenetic location: 15q23.
Variant type: Indel.
Coding change: c.712_713delinsAC on transcript NM_017882.3 (MANE Select); coding-DNA positions 712 to 713, TT replaced by AC.
Protein change: p.Phe238Thr; replaces phenylalanine 238 with threonine.
Molecular consequence: missense variant.
Genome position (GRCh38, 1-based): chr15:68,208,363-68,208,364, AA replaced by GT on the plus strand (TT replaced by AC on the coding strand, the reverse complement: CLN6 is on the minus strand). VCF-style: chr15-68208363-AA-GT. GRCh37 (hg19) VCF-style: chr15-68500701-AA-GT.
Other names: c.712_713delinsAC (NM_017882.2); c.712_713delTTinsAC (NM_017882.2); short protein forms F238T.
Identifiers: ClinVar variation 1072428 (VCV001072428.24), dbSNP rs2141136108, ClinGen allele CA2499223062.

ClinVar aggregate classification (germline): Pathogenic/Likely pathogenic. Review status: criteria provided, multiple submitters, no conflicts (2 of 4 stars). 4 submissions from 4 submitters: Pathogenic (2); Likely pathogenic (2). Last evaluated 2024-06-27.

Conditions:
Ceroid lipofuscinosis, neuronal, 6A. Also called: Neuronal ceroid lipofuscinosis, late infantile, variant; Neuronal ceroid lipofuscinosis, Gypsy/Indian early juvenile variant; Neuronal ceroid lipofuscinosis 6; CLN6-Related Neuronal Ceroid-Lipofuscinosis. Identifiers: Orphanet 168491, Orphanet 228363, MedGen C5551375, MONDO:0011144, OMIM 601780.
Ceroid lipofuscinosis, neuronal, 6B (Kufs type). Also called: Neuronal ceroid lipofuscinosis 4A. Identifiers: Orphanet 700477, MedGen C5561927, MONDO:0008768, OMIM 204300.
Neuronal ceroid lipofuscinosis. Also called: Neuronal Ceroid Lipofuscinoses. Identifiers: Orphanet 216, Orphanet 79263, MedGen C0027877, MONDO:0016295. Disease mechanism: loss of function.

Submissions (4):

Natera, Inc.
Classification: Likely pathogenic for Ceroid lipofuscinosis, neuronal, 6A. Last evaluated: 2024-06-27. Review status: criteria provided, single submitter. Criteria: Natera Variant Classification Schema (03/2026). Collection method: clinical testing. Allele origin: germline.
Comment: The c.712_713delTTinsAC variant in CLN6 is a deletion-insertion (delins) variant predicted to replace one or more nucleotides with a different sequence. This variant is rare in the general population with a frequency below the threshold expected for the associated phenotype(s). This variant has been observed in one or more individuals affected with the associated recessive disease, as either homozygous or compound heterozygous with a second variant (PMID: 21549341, 30561534). Additionally, this variant has been observed to segregate in affected family members (PMID: 21549341). Computational prediction algorithms indicate this variant is likely to affect gene or protein function. Given the available evidence, this variant is classified as Likely Pathogenic.

Labcorp Genetics (formerly Invitae), Labcorp
Classification: Pathogenic for Neuronal ceroid lipofuscinosis. Last evaluated: 2024-02-14. Review status: criteria provided, single submitter. Criteria: Invitae Variant Classification Sherloc (09022015). Collection method: clinical testing. Allele origin: germline.
Comment: This sequence change replaces phenylalanine, which is neutral and non-polar, with threonine, which is neutral and polar, at codon 238 of the CLN6 protein (p.Phe238Thr). Information on the frequency of this variant in the gnomAD database is not available, as this variant may be reported differently in the database. This missense change has been observed in individual(s) with neuronal ceroid lipofuscinosis (PMID: 21549341, 30561534). In at least one individual the data is consistent with being in trans (on the opposite chromosome) from a pathogenic variant. It has also been observed to segregate with disease in related individuals. ClinVar contains an entry for this variant (Variation ID: 1072428). An algorithm developed to predict the effect of missense changes on protein structure and function (PolyPhen-2) suggests that this variant is likely to be tolerated. For these reasons, this variant has been classified as Pathogenic.

Fulgent Genetics
Classification: Likely pathogenic for Ceroid lipofuscinosis, neuronal, 6B (Kufs type); Ceroid lipofuscinosis, neuronal, 6A. Last evaluated: 2024-01-27. Review status: criteria provided, single submitter. Criteria: ACMG Guidelines, 2015. Collection method: clinical testing. Allele origin: germline.

Women's Health and Genetics/Laboratory Corporation of America, LabCorp
Classification: Pathogenic for Neuronal ceroid lipofuscinosis. Last evaluated: 2023-09-05. Review status: criteria provided, single submitter. Criteria: LabCorp Variant Classification Summary - May 2015. Collection method: clinical testing. Allele origin: germline.
Comment: Variant summary: CLN6 c.712_713delinsAC (p.Phe238Thr) results in a non-conservative amino acid change in the encoded protein sequence. Four of four in-silico tools predict a damaging effect of the variant on protein function. The variant was absent in 250998 control chromosomes. c.712_713delinsAC has been reported in the literature in multiple individuals affected with adult onset Neuronal Ceroid-Lipofuscinosis (Kufs disease) (Berkovic_2019, Arsov_2011). These data indicate that the variant is very likely to be associated with disease. To our knowledge, no experimental evidence demonstrating an impact on protein function has been reported. The following publications have been ascertained in the context of this evaluation (PMID: 21549341, 30561534). One submitter has cited clinical-significance assessments for this variant to ClinVar after 2014 and has classified the variant as pathogenic. Based on the evidence outlined above, the variant was classified as pathogenic.

Literature cited by the submitters: PubMed 21549341 (cited by 3 submitters); PubMed 30561534 (cited by 3 submitters).